The following is an entry in ClinVar:

ClinVar aggregate classification (germline): Uncertain significance (1 of 4 stars; one submission).

Submission:

Labcorp Genetics (formerly Invitae), Labcorp
Classification: Uncertain significance. Last evaluated: 2024-02-20. Review status: criteria provided, single submitter. Criteria: Invitae Variant Classification Sherloc (09022015). Collection method: clinical testing. Allele origin: germline.
Comment: This sequence change replaces isoleucine, which is neutral and non-polar, with phenylalanine, which is neutral and non-polar, at codon 268 of the SAMD9L protein (p.Ile268Phe). This variant is not present in population databases (gnomAD no frequency). This variant has not been reported in the literature in individuals affected with SAMD9L-related conditions. An algorithm developed to predict the effect of missense changes on protein structure and function (PolyPhen-2) suggests that this variant is likely to be disruptive. In summary, the available evidence is currently insufficient to determine the role of this variant in disease. Therefore, it has been classified as a Variant of Uncertain Significance.

NM_152703.5(SAMD9L):c.802A>T (p.Ile268Phe)

Gene: SAMD9L (sterile alpha motif domain containing 9 like; minus strand). Cytogenetic location: 7q21.2.
Variant type: single nucleotide variant.
Coding change: c.802A>T on transcript NM_152703.5 (MANE Select); coding-DNA position 802, A replaced by T.
Protein change: p.Ile268Phe; replaces isoleucine 268 with phenylalanine.
Molecular consequence: missense variant.
Genome position (GRCh38, 1-based): chr7:93,135,170, T>A on the plus strand (A>T on the coding strand, the complement: SAMD9L is on the minus strand). VCF-style: chr7-93135170-T-A. GRCh37 (hg19) VCF-style: chr7-92764483-T-A.
Other names: c.802A>T, p.Ile268Phe (NM_001303496.3, NM_001303497.3, NM_001303498.3 and 5 more transcripts); short protein forms I268F.
Identifiers: ClinVar variation 3640636 (VCV003640636.2).